The following is an entry in ClinVar:

ClinVar aggregate classification (germline): Conflicting classifications of pathogenicity. Review status: criteria provided, conflicting classifications (1 of 4 stars). 5 submissions from 5 submitters: Uncertain significance (4); Likely benign (1). Last evaluated 2025-03-19.

Conditions:
Hereditary breast ovarian cancer syndrome. Also called: BRCA1- and BRCA2-Associated Hereditary Breast and Ovarian Cancer; Hereditary breast and ovarian cancer syndrome; Hereditary breast and ovarian cancer; Hereditary breast and ovarian cancer syndrome (HBOC); Breast and ovarian cancer; Hereditary breast and/or ovarian cancer syndrome. Identifiers: Orphanet 145, MedGen C0677776, MeSH D061325, MONDO:0003582. Disease mechanism: loss of function.
Hereditary cancer-predisposing syndrome. Also called: Hereditary neoplastic syndrome; Hereditary Cancer Syndrome; Neoplastic Syndromes, Hereditary; Tumor predisposition. Identifiers: Orphanet 140162, MedGen C0027672, MeSH D009386, MONDO:0015356.

gnomAD v4.1: 2 of 1,590,682 alleles (0.00013%); highest among the groups gnomAD compares: Non-Finnish European, 0.00017%; no homozygotes.

Submissions (5):

Labcorp Genetics (formerly Invitae), Labcorp
Classification: Uncertain significance for Hereditary breast ovarian cancer syndrome. Last evaluated: 2025-03-19. Review status: criteria provided, single submitter. Criteria: Invitae Variant Classification Sherloc (09022015). Collection method: clinical testing. Allele origin: germline.
Comment: This sequence change replaces alanine, which is neutral and non-polar, with proline, which is neutral and non-polar, at codon 1668 of the BRCA2 protein (p.Ala1668Pro). This variant is not present in population databases (gnomAD no frequency). This variant has not been reported in the literature in individuals affected with BRCA2-related conditions. ClinVar contains an entry for this variant (Variation ID: 236874). Invitae Evidence Modeling of protein sequence and biophysical properties (such as structural, functional, and spatial information, amino acid conservation, physicochemical variation, residue mobility, and thermodynamic stability) indicates that this missense variant is not expected to disrupt BRCA2 protein function with a negative predictive value of 95%. In summary, the available evidence is currently insufficient to determine the role of this variant in disease. Therefore, it has been classified as a Variant of Uncertain Significance.

Color Diagnostics, LLC DBA Color Health
Classification: Uncertain significance for Hereditary cancer-predisposing syndrome. Last evaluated: 2023-12-05. Review status: criteria provided, single submitter. Criteria: ACMG Guidelines, 2015. Collection method: clinical testing. Allele origin: germline.
Comment: This missense variant replaces alanine with proline at codon 1668 of the BRCA2 protein. Computational prediction suggests that this variant may not impact protein structure and function (internally defined REVEL score threshold <= 0.5, PMID: 27666373). To our knowledge, functional studies have not been reported for this variant. This variant has not been reported in individuals affected with BRCA2-related disorders in the literature. This variant has not been identified in the general population by the Genome Aggregation Database (gnomAD). The available evidence is insufficient to determine the role of this variant in disease conclusively. Therefore, this variant is classified as a Variant of Uncertain Significance.

GeneDx
Classification: Uncertain significance. Last evaluated: 2023-10-30. Review status: criteria provided, single submitter. Criteria: GeneDx Variant Classification Process June 2021. Collection method: clinical testing. Allele origin: germline. Affected: yes.
Comment: Not observed at significant frequency in large population cohorts (gnomAD); In silico analysis supports that this missense variant has a deleterious effect on protein structure/function; Has not been previously published as pathogenic or benign to our knowledge; Also known as 5230G>C; This variant is associated with the following publications: (PMID: 31911673)

University of Washington Department of Laboratory Medicine, University of Washington
Classification: Likely benign for Hereditary cancer-predisposing syndrome. Last evaluated: 2023-03-23. Review status: criteria provided, single submitter. Criteria: Dines et al. (Genet Med. 2020). Collection method: curation. Allele origin: germline.
Comment: Missense variant in a coldspot region where missense variants are very unlikely to be pathogenic (PMID:31911673).

BRCA2 exon 11 coldspot. Reclassification based on statistical prior probability.

Ambry Genetics
Classification: Uncertain significance for Hereditary cancer-predisposing syndrome. Last evaluated: 2021-02-18. Review status: criteria provided, single submitter. Criteria: Ambry Variant Classification Scheme 2023. Collection method: clinical testing. Allele origin: germline.
Comment: The p.A1668P variant (also known as c.5002G>C), located in coding exon 10 of the BRCA2 gene, results from a G to C substitution at nucleotide position 5002. The alanine at codon 1668 is replaced by proline, an amino acid with highly similar properties. This amino acid position is not well conserved in available vertebrate species. In addition, the in silico prediction for this alteration is inconclusive. Since supporting evidence is limited at this time, the clinical significance of this alteration remains unclear.

NM_000059.4(BRCA2):c.5002G>C (p.Ala1668Pro)

Gene: BRCA2 (BRCA2 DNA repair associated; plus strand). Cytogenetic location: 13q13.1.
Variant type: single nucleotide variant.
Coding change: c.5002G>C on transcript NM_000059.4 (MANE Select); coding-DNA position 5002, G replaced by C.
Protein change: p.Ala1668Pro; replaces alanine 1668 with proline.
Molecular consequence: missense variant.
Genome position (GRCh38, 1-based): chr13:32,339,357, G>C. VCF-style: chr13-32339357-G-C. GRCh37 (hg19) VCF-style: chr13-32913494-G-C.
Other names: short protein forms A1668P.
Identifiers: ClinVar variation 236874 (VCV000236874.19), dbSNP rs587782182, ClinGen allele CA10583110.